The following is an entry in ClinVar:

ClinVar aggregate classification (germline): Uncertain significance (1 of 4 stars; one submission).

gnomAD v4.1: 1 of 1,613,922 alleles (0.000062%); highest among the groups gnomAD compares: African/African-American, 0.0013%; no homozygotes.

Submission:

Labcorp Genetics (formerly Invitae), Labcorp
Classification: Uncertain significance. Last evaluated: 2022-04-11. Review status: criteria provided, single submitter. Criteria: Invitae Variant Classification Sherloc (09022015). Collection method: clinical testing. Allele origin: germline.
Comment: In summary, the available evidence is currently insufficient to determine the role of this variant in disease. Therefore, it has been classified as a Variant of Uncertain Significance. Algorithms developed to predict the effect of missense changes on protein structure and function (SIFT, PolyPhen-2, Align-GVGD) all suggest that this variant is likely to be tolerated. This variant has not been reported in the literature in individuals affected with TYRP1-related conditions. This variant is present in population databases (rs770988738, gnomAD 0.007%). This sequence change replaces isoleucine, which is neutral and non-polar, with leucine, which is neutral and non-polar, at codon 128 of the TYRP1 protein (p.Ile128Leu).

NM_000550.3(TYRP1):c.382A>T (p.Ile128Leu)

Gene: TYRP1 (tyrosinase related protein 1; plus strand). Cytogenetic location: 9p23.
Variant type: single nucleotide variant.
Coding change: c.382A>T on transcript NM_000550.3 (MANE Select); coding-DNA position 382, A replaced by T.
Protein change: p.Ile128Leu; replaces isoleucine 128 with leucine.
Molecular consequence: missense variant.
Genome position (GRCh38, 1-based): chr9:12,694,378, A>T. VCF-style: chr9-12694378-A-T. GRCh37 (hg19) VCF-style: chr9-12694378-A-T.
Other names: short protein forms I128L.
Identifiers: ClinVar variation 2124717 (VCV002124717.4), dbSNP rs770988738, ClinGen allele CA4985184.